The following is an entry in ClinVar:

ClinVar aggregate classification (germline): Uncertain significance (1 of 4 stars; one submission).

Submission:

GeneDx
Classification: Uncertain significance. Last evaluated: 2022-09-12. Review status: criteria provided, single submitter. Criteria: GeneDx Variant Classification Process June 2021. Collection method: clinical testing. Allele origin: germline. Affected: yes.
Comment: Not observed at significant frequency in large population cohorts (gnomAD); In silico analysis supports that this missense variant has a deleterious effect on protein structure/function; Has not been previously published as pathogenic or benign to our knowledge

NM_006618.5(KDM5B):c.1169A>G (p.Lys390Arg)

Gene: KDM5B (lysine demethylase 5B; minus strand). Cytogenetic location: 1q32.1.
Variant type: single nucleotide variant.
Coding change: c.1169A>G on transcript NM_006618.5 (MANE Select); coding-DNA position 1169, A replaced by G.
Protein change: p.Lys390Arg; replaces lysine 390 with arginine.
Molecular consequence: missense variant.
Genome position (GRCh38, 1-based): chr1:202,758,419, T>C on the plus strand (A>G on the coding strand, the complement: KDM5B is on the minus strand). VCF-style: chr1-202758419-T-C. GRCh37 (hg19) VCF-style: chr1-202727547-T-C.
Other names: c.1277A>G, p.Lys426Arg (NM_001314042.2); c.1034A>G, p.Lys345Arg (NM_001347591.2); c.1154A>G, p.Lys385Arg (NM_001399817.1); short protein forms K345R, K385R, K390R, K426R.
Identifiers: ClinVar variation 2446611 (VCV002446611.1), dbSNP rs2527553442, ClinGen allele CA344272078.